The following is an entry in ClinVar:

NM_006031.6(PCNT):c.1688G>A (p.Cys563Tyr)

Gene: PCNT (pericentrin; plus strand). Cytogenetic location: 21q22.3.
Variant type: single nucleotide variant.
Coding change: c.1688G>A on transcript NM_006031.6 (MANE Select); coding-DNA position 1688, G replaced by A.
Protein change: p.Cys563Tyr; replaces cysteine 563 with tyrosine.
Molecular consequence: missense variant.
Genome position (GRCh38, 1-based): chr21:46,353,995, G>A. VCF-style: chr21-46353995-G-A. GRCh37 (hg19) VCF-style: chr21-47773909-G-A.
Other names: c.1334G>A, p.Cys445Tyr (NM_001315529.2); short protein forms C445Y, C563Y.
Identifiers: ClinVar variation 4982961 (VCV004982961.1).

ClinVar aggregate classification (germline): Uncertain significance (1 of 4 stars; one submission).

Conditions:
PCNT-related disorder. Also called: PCNT-related condition.

gnomAD v4.1: 18 of 1,613,630 alleles (0.0011%); highest among the groups gnomAD compares: Non-Finnish European, 0.0014%; no homozygotes.

Submission:

PreventionGenetics, part of Exact Sciences
Classification: Uncertain significance for PCNT-related condition. Last evaluated: 2026-06-03. Review status: criteria provided, single submitter. Criteria: ACMG Guidelines, 2015. Collection method: clinical testing. Allele origin: germline.
Comment: The PCNT c.1688G>A variant is predicted to result in the amino acid substitution p.Cys563Tyr. To our knowledge, this variant has not been reported in the literature or in a large population database (gnomAD), indicating this variant is rare. At this time, the clinical significance of this variant is uncertain due to the absence of conclusive functional and genetic evidence.